The following is an entry in ClinVar:

NM_144631.6(ZNF513):c.78C>G (p.Asp26Glu)

Gene: ZNF513 (zinc finger protein 513; minus strand). Cytogenetic location: 2p23.3.
Variant type: single nucleotide variant.
Coding change: c.78C>G on transcript NM_144631.6 (MANE Select); coding-DNA position 78, C replaced by G.
Protein change: p.Asp26Glu; replaces aspartic acid 26 with glutamic acid.
Molecular consequence: missense variant. On other transcripts: 5 prime UTR variant (1).
Genome position (GRCh38, 1-based): chr2:27,380,226, G>C on the plus strand (C>G on the coding strand, the complement: ZNF513 is on the minus strand). VCF-style: chr2-27380226-G-C. GRCh37 (hg19) VCF-style: chr2-27603093-G-C.
Other names: c.-109C>G (NM_001201459.2); short protein forms D26E.
Identifiers: ClinVar variation 1389792 (VCV001389792.6), dbSNP rs775737818, ClinGen allele CA346220138.
Genomic context (GRCh38, chr2:27,380,226, plus strand): 5'-AAACTCCAGATCCTGGCCTAGTAGCAAATCACTCTCCAATACCAGGGCCCCGGGTCCTTC[G>C]TCGAGGGAGTCTTCAGTATCCACTGAAGAGGGGAGGGGGCTTGTGGATTCTCCCTCAGGA-3'
Protein context (NP_653232.3, residues 16-36): GVKVDTEDSL[Asp26Glu]EGPGALVLES

ClinVar aggregate classification (germline): Uncertain significance (1 of 4 stars; one submission).

Submission:

Labcorp Genetics (formerly Invitae), Labcorp
Classification: Uncertain significance. Last evaluated: 2021-10-27. Review status: criteria provided, single submitter. Criteria: Invitae Variant Classification Sherloc (09022015). Collection method: clinical testing. Allele origin: germline.
Comment: This sequence change replaces aspartic acid, which is acidic and polar, with glutamic acid, which is acidic and polar, at codon 26 of the ZNF513 protein (p.Asp26Glu). This variant is not present in population databases (gnomAD no frequency). This variant has not been reported in the literature in individuals affected with ZNF513-related conditions. Algorithms developed to predict the effect of missense changes on protein structure and function output the following: SIFT: "Deleterious"; PolyPhen-2: "Benign"; Align-GVGD: "Class C0". The glutamic acid amino acid residue is found in multiple mammalian species, which suggests that this missense change does not adversely affect protein function. In summary, the available evidence is currently insufficient to determine the role of this variant in disease. Therefore, it has been classified as a Variant of Uncertain Significance.